The following is an entry in ClinVar:

NM_001371727.1(GABRB2):c.1153A>T (p.Thr385Ser)

Gene: GABRB2 (gamma-aminobutyric acid type A receptor subunit beta2; minus strand). Cytogenetic location: 5q34.
Variant type: single nucleotide variant.
Coding change: c.1153A>T on transcript NM_001371727.1 (MANE Select); coding-DNA position 1153, A replaced by T.
Protein change: p.Thr385Ser; replaces threonine 385 with serine.
Molecular consequence: missense variant. On other transcripts: intron variant (1).
Genome position (GRCh38, 1-based): chr5:161,326,406, T>A on the plus strand (A>T on the coding strand, the complement: GABRB2 is on the minus strand). VCF-style: chr5-161326406-T-A. GRCh37 (hg19) VCF-style: chr5-160753413-T-A.
Other names: c.1153A>T, p.Thr385Ser (NM_021911.3); c.1077+4477A>T (NM_000813.3); short protein forms T385S.
Identifiers: ClinVar variation 512389 (VCV000512389.8), dbSNP rs201397195, ClinGen allele CA3543398.
Genomic context (GRCh38, chr5:161,326,406, plus strand): 5'-GATTAAAAACTGGCTATCTAACCGTATACAGAGAGAAATCGTAATTGGTAGTCCGTCTAG[T>A]TGGGGAGAGGTTTCCAGTAGGGTCCCACAAGGATCGATATTGGGTCCCATTTTGTTTAAT-3'
Protein context (NP_001358656.1, residues 375-395): LWDPTGNLSP[Thr385Ser]RRTTNYDFSL

ClinVar aggregate classification (germline): Conflicting classifications of pathogenicity. Review status: criteria provided, conflicting classifications (1 of 4 stars). 2 submissions from 2 submitters: Uncertain significance (1); Likely benign (1). Last evaluated 2024-05-10.

Conditions:
Intellectual disability. Also called: Intellectual developmental disorder; Intellectual functioning disability; intellectual disabilities. Identifiers: MedGen C3714756, MeSH D008607, MONDO:0001071, HP:0001249.

Allele frequency attached by ClinVar (database versions not stated): ESP Exome Variant Server 0.00008; gnomAD exomes 0.00004; TOPMed 0.00005; ExAC 0.00003; gnomAD 0.00003.
gnomAD v4.1: 26 of 1,613,490 alleles (0.0016%); highest among the groups gnomAD compares: Admixed American, 0.0033%; no homozygotes.

Submissions (2):

Labcorp Genetics (formerly Invitae), Labcorp
Classification: Uncertain significance for Intellectual disability. Last evaluated: 2024-05-10. Review status: criteria provided, single submitter. Criteria: Invitae Variant Classification Sherloc (09022015). Collection method: clinical testing. Allele origin: germline.
Comment: This sequence change replaces threonine, which is neutral and polar, with serine, which is neutral and polar, at codon 385 of the GABRB2 protein (p.Thr385Ser). This variant is present in population databases (rs201397195, gnomAD 0.03%). This variant has not been reported in the literature in individuals affected with GABRB2-related conditions. ClinVar contains an entry for this variant (Variation ID: 512389). Advanced modeling of protein sequence and biophysical properties (such as structural, functional, and spatial information, amino acid conservation, physicochemical variation, residue mobility, and thermodynamic stability) performed at Invitae indicates that this missense variant is not expected to disrupt GABRB2 protein function with a negative predictive value of 95%. In summary, the available evidence is currently insufficient to determine the role of this variant in disease. Therefore, it has been classified as a Variant of Uncertain Significance.

GeneDx
Classification: Likely benign. Last evaluated: 2017-10-10. Review status: criteria provided, single submitter. Criteria: GeneDx Variant Classification (06012015). Collection method: clinical testing. Allele origin: germline. Affected: yes.
Comment: This variant is considered likely benign or benign based on one or more of the following criteria: it is a conservative change, it occurs at a poorly conserved position in the protein, it is predicted to be benign by multiple in silico algorithms, and/or has population frequency not consistent with disease.